The following is an entry in ClinVar:

NM_000726.5(CACNB4):c.598+7G>C

Gene: CACNB4 (calcium voltage-gated channel auxiliary subunit beta 4; minus strand). Cytogenetic location: 2q23.3.
Variant type: single nucleotide variant.
Coding change: c.598+7G>C on transcript NM_000726.5 (MANE Select); 7 bases into the intron after coding-DNA position 598, G replaced by C.
Molecular consequence: intron variant.
Genome position (GRCh38, 1-based): chr2:151,872,410, C>G on the plus strand (G>C on the coding strand, the complement: CACNB4 is on the minus strand). VCF-style: chr2-151872410-C-G. GRCh37 (hg19) VCF-style: chr2-152728924-C-G.
Other names: c.598+7G>C (NM_001145798.2); c.544+7G>C (NM_001330113.2, NM_001005746.4); c.496+7G>C (NM_001330115.2, NM_001005747.4); c.457+7G>C (NM_001330116.2, NM_001320722.3, NM_001330118.1); c.-37+7G>C (NM_001330114.2); c.40+7G>C (NM_001330117.2).
Identifiers: ClinVar variation 3053886 (VCV003053886.2), dbSNP rs2099844871, ClinGen allele CA2740095761.

ClinVar aggregate classification (germline): Likely benign (0 of 4 stars; one submission).

Conditions:
CACNB4-related disorder. Also called: CACNB4-Related Disorders; CACNB4-related condition.

Submission:

PreventionGenetics, part of Exact Sciences
Classification: Likely benign for CACNB4-related condition. Last evaluated: 2020-04-17. Review status: no assertion criteria provided. Collection method: clinical testing. Allele origin: germline.
Comment: This variant is classified as likely benign based on ACMG/AMP sequence variant interpretation guidelines (Richards et al. 2015 PMID: 25741868, with internal and published modifications).